The following is an entry in ClinVar:

ClinVar aggregate classification (germline): Uncertain significance (1 of 4 stars; one submission).

Allele frequency attached by ClinVar (database versions not stated): ExAC 0.00001.

Submission:

Ambry Genetics
Classification: Uncertain significance. Last evaluated: 2022-01-15. Review status: criteria provided, single submitter. Criteria: Ambry Variant Classification Scheme 2023. Collection method: clinical testing. Allele origin: germline.
Comment: The p.D1355N variant (also known as c.4063G>A), located in coding exon 4 of the ALPK2 gene, results from a G to A substitution at nucleotide position 4063. The aspartic acid at codon 1355 is replaced by asparagine, an amino acid with highly similar properties. This amino acid position is conserved. In addition, this alteration is predicted to be tolerated by in silico analysis. Since supporting evidence is limited at this time, the clinical significance of this alteration remains unclear.

NM_052947.4(ALPK2):c.4063G>A (p.Asp1355Asn)

Genes: ALPK2 (alpha kinase 2; minus strand), LOC126862764 (BRD4-independent group 4 enhancer GRCh37_chr18:56202574-56203773; plus strand). Cytogenetic location: 18q21.31.
Variant type: single nucleotide variant.
Coding change: c.4063G>A on transcript NM_052947.4 (MANE Select); coding-DNA position 4063, G replaced by A.
Protein change: p.Asp1355Asn; replaces aspartic acid 1355 with asparagine.
Molecular consequence: missense variant.
Genome position (GRCh38, 1-based): chr18:58,536,124, C>T on the plus strand (G>A on the coding strand, the complement: ALPK2 is on the minus strand). VCF-style: chr18-58536124-C-T. GRCh37 (hg19) VCF-style: chr18-56203356-C-T.
Other names: short protein forms D1355N.
Identifiers: ClinVar variation 1737489 (VCV001737489.2), dbSNP rs760413335, ClinGen allele CA8976782.